The following is an entry in ClinVar:

NM_000751.3(CHRND):c.128G>A (p.Arg43Gln)

Gene: CHRND (cholinergic receptor nicotinic delta subunit; plus strand). Cytogenetic location: 2q37.1.
Variant type: single nucleotide variant.
Coding change: c.128G>A on transcript NM_000751.3 (MANE Select); coding-DNA position 128, G replaced by A.
Protein change: p.Arg43Gln; replaces arginine 43 with glutamine.
Molecular consequence: missense variant. On other transcripts: 5 prime UTR variant (2).
Genome position (GRCh38, 1-based): chr2:232,526,604, G>A. VCF-style: chr2-232526604-G-A. GRCh37 (hg19) VCF-style: chr2-233391314-G-A.
Other names: c.128G>A, p.Arg43Gln (NM_001256657.2); c.-144G>A (NM_001311195.2, NM_001311196.2); short protein forms R43Q.
Identifiers: ClinVar variation 650661 (VCV000650661.6), dbSNP rs759448201, ClinGen allele CA2167904.

ClinVar aggregate classification (germline): Uncertain significance (1 of 4 stars; one submission).

Conditions:
Lethal multiple pterygium syndrome (LMPS). Identifiers: Orphanet 33108, MedGen C1854678, MONDO:0009668, OMIM 253290.

Allele frequency attached by ClinVar (database versions not stated): TOPMed 0.00003; ExAC 0.00005; gnomAD exomes 0.00008; gnomAD 0.00010.

Submission:

Labcorp Genetics (formerly Invitae), Labcorp
Classification: Uncertain significance for Lethal multiple pterygium syndrome. Last evaluated: 2023-07-17. Review status: criteria provided, single submitter. Criteria: Invitae Variant Classification Sherloc (09022015). Collection method: clinical testing. Allele origin: germline.
Comment: This variant has not been reported in the literature in individuals affected with CHRND-related conditions. This variant is present in population databases (rs759448201, gnomAD 0.05%). This sequence change replaces arginine, which is basic and polar, with glutamine, which is neutral and polar, at codon 43 of the CHRND protein (p.Arg43Gln). ClinVar contains an entry for this variant (Variation ID: 650661). In summary, the available evidence is currently insufficient to determine the role of this variant in disease. Therefore, it has been classified as a Variant of Uncertain Significance. Advanced modeling of protein sequence and biophysical properties (such as structural, functional, and spatial information, amino acid conservation, physicochemical variation, residue mobility, and thermodynamic stability) has been performed at Invitae for this missense variant, however the output from this modeling did not meet the statistical confidence thresholds required to predict the impact of this variant on CHRND protein function.